The following is an entry in ClinVar:

ClinVar aggregate classification (germline): Uncertain significance (1 of 4 stars; one submission).

Conditions:
Fanconi anemia (FA). Also called: Fanconi's anemia. Identifiers: Orphanet 84, MedGen C0015625, MeSH D005199, MONDO:0019391.

gnomAD v4.1: 3 of 1,614,156 alleles (0.00019%); highest among the groups gnomAD compares: East Asian, 0.0022%; no homozygotes.

Submission:

Labcorp Genetics (formerly Invitae), Labcorp
Classification: Uncertain significance for Fanconi anemia. Last evaluated: 2024-09-02. Review status: criteria provided, single submitter. Criteria: Invitae Variant Classification Sherloc (09022015). Collection method: clinical testing. Allele origin: germline.
Comment: This sequence change replaces leucine, which is neutral and non-polar, with phenylalanine, which is neutral and non-polar, at codon 54 of the SLX4 protein (p.Leu54Phe). This variant is present in population databases (rs748466442, gnomAD 0.006%). This missense change has been observed in individual(s) with Fanconi anemia (PMID: 28623394). An algorithm developed to predict the effect of missense changes on protein structure and function (PolyPhen-2) suggests that this variant is likely to be disruptive. In summary, the available evidence is currently insufficient to determine the role of this variant in disease. Therefore, it has been classified as a Variant of Uncertain Significance.

Literature cited by the submitters: PubMed 28623394.

NM_032444.4(SLX4):c.160C>T (p.Leu54Phe)

Gene: SLX4 (SLX4 structure-specific endonuclease subunit; minus strand). Cytogenetic location: 16p13.3.
Variant type: single nucleotide variant.
Coding change: c.160C>T on transcript NM_032444.4 (MANE Select); coding-DNA position 160, C replaced by T.
Protein change: p.Leu54Phe; replaces leucine 54 with phenylalanine.
Molecular consequence: missense variant.
Genome position (GRCh38, 1-based): chr16:3,608,805, G>A on the plus strand (C>T on the coding strand, the complement: SLX4 is on the minus strand). VCF-style: chr16-3608805-G-A. GRCh37 (hg19) VCF-style: chr16-3658806-G-A.
Other names: short protein forms L54F.
Identifiers: ClinVar variation 3704267 (VCV003704267.2).